The following is an entry in ClinVar:

ClinVar aggregate classification (germline): Uncertain significance (1 of 4 stars; one submission).

Conditions:
Gorlin syndrome. Also called: Nevoid Basal Cell Carcinoma Syndrome; Basal cell nevus syndrome. Identifiers: Orphanet 377, MedGen C0004779, MONDO:0007187.

Submission:

Labcorp Genetics (formerly Invitae), Labcorp
Classification: Uncertain significance for Gorlin syndrome. Last evaluated: 2025-11-09. Review status: criteria provided, single submitter. Criteria: Invitae Variant Classification Sherloc (09022015). Collection method: clinical testing. Allele origin: germline.
Comment: This variant, c.2996_2998del, results in the deletion of 1 amino acid(s) of the PTCH2 protein (p.Met999del), but otherwise preserves the integrity of the reading frame. This variant is not present in population databases (gnomAD no frequency). This variant has not been reported in the literature in individuals affected with PTCH2-related conditions. Experimental studies and prediction algorithms are not available or were not evaluated, and the functional significance of this variant is currently unknown. In summary, the available evidence is currently insufficient to determine the role of this variant in disease. Therefore, it has been classified as a Variant of Uncertain Significance.

NM_003738.5(PTCH2):c.2993TGA[1] (p.Met999del)

Gene: PTCH2 (patched 2; minus strand). Cytogenetic location: 1p34.1.
Variant type: Microsatellite.
Coding change: c.2993TGA[1] on transcript NM_003738.5 (MANE Select); one copy of the 3-base unit TGA starting at c.2993; the reference has two copies in a row; one copy, 3 bases deleted.
Protein change: p.Met999del; deletes methionine 999.
Molecular consequence: inframe deletion.
Genome position (GRCh38, 1-based): chr1:44,826,366-44,826,368, TCA deleted on the plus strand (TGA on the coding strand, the reverse complement: PTCH2 is on the minus strand); deleting any 3 consecutive bases within chr1:44,826,366-44,826,373 gives the same sequence; the position shown is the placement nearest the transcript's 3' end. VCF-style (leftmost placement, unchanged base first): chr1-44826365-GTCA-G. GRCh37 (hg19) VCF-style: chr1-45292037-GTCA-G.
Other names: c.2993TGA[1], p.Met999del (NM_001166292.2); short protein forms M999del.
Identifiers: ClinVar variation 4705506 (VCV004705506.1).